The following is an entry in ClinVar:

ClinVar aggregate classification (germline): Benign/Likely benign. Review status: criteria provided, multiple submitters, no conflicts (2 of 4 stars). 7 submissions from 7 submitters: Benign (3); Likely benign (4). Last evaluated 2026-05-01.

Conditions:
Spastic ataxia 2. Also called: Ataxia, spastic, 2, autosomal recessive. Identifiers: Orphanet 397946, MedGen C1969796, MONDO:0012651, OMIM 611302.
Hereditary spastic paraplegia. Also called: Familial spastic paraparesis. Identifiers: Orphanet 685, MedGen C0037773, MONDO:0019064. Disease mechanism: loss of function.

Allele frequency attached by ClinVar (database versions not stated): 1000 Genomes Project 30x 0.00078; 1000 Genomes Project 0.00100; TOPMed 0.00450; gnomAD exomes 0.00473 and 0.00784; ExAC 0.00474; gnomAD 0.00498 and 0.00523; ESP Exome Variant Server 0.00669.
gnomAD v4.1: 12,134 of 1,614,108 alleles (0.75%); highest among the groups gnomAD compares: Non-Finnish European, 0.94%; 62 homozygotes.

Submissions (7):

CeGaT Center for Human Genetics Tuebingen
Classification: Likely benign. Last evaluated: 2026-05-01. Review status: criteria provided, single submitter. Criteria: CeGaT Center For Human Genetics Tuebingen Variant Classification Criteria Version 2. Collection method: clinical testing. Allele origin: germline. Affected: yes. Observed: 76 variant alleles.
Comment: KIF1C: BS2

Labcorp Genetics (formerly Invitae), Labcorp
Classification: Benign for Spastic ataxia 2. Last evaluated: 2026-01-26. Review status: criteria provided, single submitter. Criteria: Invitae Variant Classification Sherloc (09022015). Collection method: clinical testing. Allele origin: germline.

Blueprint Genetics
Classification: Likely benign. Last evaluated: 2024-11-27. Review status: criteria provided, single submitter. Criteria: ACMG Guidelines, 2015. Collection method: clinical testing. Allele origin: germline.

Mayo Clinic Laboratories, Mayo Clinic
Classification: Benign. Last evaluated: 2024-01-16. Review status: criteria provided, single submitter. Criteria: ACMG Guidelines, 2015. Collection method: clinical testing. Allele origin: germline. Observed: 9 variant alleles.
Comment: BA1, BS2, BP4

Genome Diagnostics Laboratory, The Hospital for Sick Children
Classification: Benign for Hereditary spastic paraplegia. Last evaluated: 2021-11-15. Review status: criteria provided, single submitter. Criteria: ACMG Guidelines, 2015. Collection method: clinical testing. Allele origin: germline. Affected: yes.

GeneDx
Classification: Likely benign. Last evaluated: 2020-11-01. Review status: criteria provided, single submitter. Criteria: GeneDx Variant Classification Process June 2021. Collection method: clinical testing. Allele origin: germline. Affected: yes.

Breakthrough Genomics
Classification: Likely benign. Review status: criteria provided, single submitter. Criteria: ACMG Guidelines, 2015. Collection method: not provided. Allele origin: germline. Inheritance: Autosomal recessive inheritance. Affected: yes.

NM_006612.6(KIF1C):c.2105C>T (p.Thr702Ile)

Gene: KIF1C (kinesin family member 1C; plus strand). Cytogenetic location: 17p13.2.
Variant type: single nucleotide variant.
Coding change: c.2105C>T on transcript NM_006612.6 (MANE Select); coding-DNA position 2105, C replaced by T.
Protein change: p.Thr702Ile; replaces threonine 702 with isoleucine.
Molecular consequence: missense variant.
Genome position (GRCh38, 1-based): chr17:5,022,186, C>T. VCF-style: chr17-5022186-C-T. GRCh37 (hg19) VCF-style: chr17-4925481-C-T.
Other names: p.Thr702Ile; short protein forms T702I.
Identifiers: ClinVar variation 390510 (VCV000390510.61), dbSNP rs138935423, ClinGen allele CA8319218.